The following is an entry in ClinVar:

NM_001372066.1(TFAP2A):c.925G>A (p.Val309Met)

Gene: TFAP2A (transcription factor AP-2 alpha; minus strand). Cytogenetic location: 6p24.3.
Variant type: single nucleotide variant.
Coding change: c.925G>A on transcript NM_001372066.1 (MANE Select); coding-DNA position 925, G replaced by A.
Protein change: p.Val309Met; replaces valine 309 with methionine.
Molecular consequence: missense variant.
Genome position (GRCh38, 1-based): chr6:10,400,554, C>T on the plus strand (G>A on the coding strand, the complement: TFAP2A is on the minus strand). VCF-style: chr6-10400554-C-T. GRCh37 (hg19) VCF-style: chr6-10400787-C-T.
Other names: NM_003220.2:c.919G>A; c.901G>A, p.Val301Met (NM_001032280.3); c.907G>A, p.Val303Met (NM_001042425.3); short protein forms V301M, V309M, V303M.
Identifiers: ClinVar variation 2467163 (VCV002467163.9), dbSNP rs377114324, ClinGen allele CA3631162.
Genomic context (GRCh38, chr6:10,400,554, plus strand): 5'-CGGAATGTTGTCGGTTGAGAAATTCAGCTACTGCTTTGGCAGGAAATTCGGTTTCGCACA[C>T]GTACCCAAAGTCCCTGGCTAGGTGGACAGCTTCTCCTGGCAAGAGGGGAGAGGAGGGAGC-3'
Protein context (NP_001358995.1, residues 299-319): AVHLARDFGY[Val309Met]CETEFPAKAV

ClinVar aggregate classification (germline): Uncertain significance. Review status: criteria provided, multiple submitters, no conflicts (2 of 4 stars). 4 submissions from 4 submitters: Uncertain significance (4). Last evaluated 2026-01-22.

Conditions:
Branchiooculofacial syndrome (BOFS). Also called: BOF SYNDROME; HEMANGIOMATOUS BRANCHIAL CLEFTS-LIP PSEUDOCLEFT SYNDROME; LIP PSEUDOCLEFT-HEMANGIOMATOUS BRANCHIAL CYST SYNDROME; Branchio-Oculo-Facial Syndrome. Identifiers: Orphanet 1297, MedGen C0376524, MeSH D019280, MONDO:0007235, OMIM 113620.
Inborn genetic diseases. Identifiers: MedGen C0950123, MeSH D030342.

Allele frequency attached by ClinVar (database versions not stated): ExAC 0.00001; gnomAD 0.00004; gnomAD exomes 0.00007; ESP Exome Variant Server 0.00008.
gnomAD v4.1: 111 of 1,613,988 alleles (0.0069%); highest among the groups gnomAD compares: Non-Finnish European, 0.0087%; no homozygotes.

Submissions (4):

Labcorp Genetics (formerly Invitae), Labcorp
Classification: Uncertain significance. Last evaluated: 2026-01-22. Review status: criteria provided, single submitter. Criteria: Invitae Variant Classification Sherloc (09022015). Collection method: clinical testing. Allele origin: germline.
Comment: This sequence change replaces valine, which is neutral and non-polar, with methionine, which is neutral and non-polar, at codon 307 of the TFAP2A protein (p.Val307Met). This variant is present in population databases (rs377114324, gnomAD 0.003%). This variant has not been reported in the literature in individuals affected with TFAP2A-related conditions. ClinVar contains an entry for this variant (Variation ID: 2467163). Invitae Evidence Modeling of protein sequence and biophysical properties (such as structural, functional, and spatial information, amino acid conservation, physicochemical variation, residue mobility, and thermodynamic stability) indicates that this missense variant is not expected to disrupt TFAP2A protein function with a negative predictive value of 80%. In summary, the available evidence is currently insufficient to determine the role of this variant in disease. Therefore, it has been classified as a Variant of Uncertain Significance.

GeneDx
Classification: Uncertain significance. Last evaluated: 2025-07-10. Review status: criteria provided, single submitter. Criteria: GeneDx Variant Classification Process June 2021. Collection method: clinical testing. Allele origin: germline. Affected: yes.
Comment: Not observed at significant frequency in large population cohorts (gnomAD); In silico analysis suggests that this missense variant does not alter protein structure/function; Has not been previously published as pathogenic or benign to our knowledge

Ambry Genetics
Classification: Uncertain significance for Inborn genetic diseases. Last evaluated: 2023-01-10. Review status: criteria provided, single submitter. Criteria: Ambry Variant Classification Scheme 2023. Collection method: clinical testing. Allele origin: germline.

Juno Genomics, Hangzhou Juno Genomics, Inc
Classification: Uncertain significance for Branchiooculofacial syndrome. Review status: criteria provided, single submitter. Criteria: ACMG Guidelines, 2015. Collection method: clinical testing. Allele origin: germline.
Comment: Absent from controls (or at extremely low frequency if recessive) in Genome Aggregation Database.;Multiple lines of computational evidence support a deleterious effect on the gene or gene product.